The following is an entry in ClinVar:

NM_005476.7(GNE):c.589_594dup (p.Met198_Ser199insTyrMet)

Gene: GNE (glucosamine (UDP-N-acetyl)-2-epimerase/N-acetylmannosamine kinase; minus strand). Cytogenetic location: 9p13.3.
Variant type: Duplication.
Coding change: c.589_594dup on transcript NM_005476.7 (MANE Select); coding-DNA positions 589 to 594, 6 bases duplicated (TACATG; older notation c.589_594dupTACATG).
Protein change: p.Met198_Ser199insTyrMet.
Molecular consequence: inframe insertion.
Genome position (GRCh38, 1-based): chr9:36,246,053-36,246,058, CATGTA duplicated on the plus strand (TACATG on the coding strand, the reverse complement: GNE is on the minus strand). VCF-style (leftmost placement, unchanged base first): chr9-36246052-T-TCATGTA. GRCh37 (hg19) VCF-style: chr9-36246049-T-TCATGTA.
Other names: c.682_687dup, p.Met229_Ser230insTyrMet (NM_001128227.3); c.589_594dup, p.Met198_Ser199insTyrMet (NM_001190383.3, NM_001374797.1); c.412_417dup, p.Met139_Ser140insTyrMet (NM_001190384.3, NM_001190388.2, NM_001374798.1).
Identifiers: ClinVar variation 5004514 (VCV005004514.1).

ClinVar aggregate classification (germline): Uncertain significance (1 of 4 stars; one submission).

Conditions:
GNE myopathy (NM). Also called: NONAKA DISTAL MYOPATHY; INCLUSION BODY MYOPATHY, HEREDITARY, AUTOSOMAL RECESSIVE; INCLUSION BODY MYOPATHY 2, AUTOSOMAL RECESSIVE; IBM 2; Inclusion body myopathy autosomal recessive; Inclusion body myopathy quadriceps sparing. Identifiers: Orphanet 602, MedGen C1853926, MONDO:0011603, OMIM 605820.

Submission:

Myriad Genetics, Inc.
Classification: Uncertain significance for GNE myopathy. Last evaluated: 2026-03-05. Review status: criteria provided, single submitter. Criteria: Myriad Autosomal Dominant, Autosomal Recessive and X-Linked Classification Criteria (2023). Collection method: clinical testing. Allele origin: unknown.
Comment: NM_001128227.2(GNE):c.682_687dup6(Y228_M229dup) is an in-frame insertion classified as a variant of uncertain significance in the context of GNE myopathy. Y228_M229dup has been observed in cases with relevant disease (PMID: 38558464, 39539755). Relevant functional assessments of this variant are not available in the literature. Y228_M229dup has not been observed in referenced population frequency databases. In summary, there is insufficient evidence to classify NM_001128227.2(GNE):c.682_687dup6(Y228_M229dup) as pathogenic or benign. Please note: this variant was assessed in the context of healthy population screening.

Literature cited by the submitters: PubMed 38558464; PubMed 39539755.